The following is an entry in ClinVar:

ClinVar aggregate classification (germline): Pathogenic (1 of 4 stars; one submission).

Allele frequency attached by ClinVar (database versions not stated): gnomAD exomes below 0.00001.

Submission:

GeneDx
Classification: Pathogenic. Last evaluated: 2015-06-01. Review status: criteria provided, single submitter. Criteria: GeneDx Variant Classification (06012015). Collection method: clinical testing. Allele origin: germline. Affected: yes.
Comment: The Q316X nonsense variant in the MLYCD gene is predicted to causeloss of normal protein function through protein truncation. Although this variant has not been reported previously to our knowledge, we interpret it to be a pathogenic variant.

NM_012213.3(MLYCD):c.946C>T (p.Gln316Ter)

Genes: MLYCD (malonyl-CoA decarboxylase; plus strand), LOC126862422 (CDK7 strongly-dependent group 2 enhancer GRCh37_chr16:83945234-83946433; plus strand). Cytogenetic location: 16q23.3.
Variant type: single nucleotide variant.
Coding change: c.946C>T on transcript NM_012213.3 (MANE Select); coding-DNA position 946, C replaced by T.
Protein change: p.Gln316Ter; replaces glutamine 316 with a stop codon.
Molecular consequence: nonsense.
Genome position (GRCh38, 1-based): chr16:83,912,365, C>T. VCF-style: chr16-83912365-C-T. GRCh37 (hg19) VCF-style: chr16-83945970-C-T.
Other names: short protein forms Q316*.
Identifiers: ClinVar variation 379914 (VCV000379914.2), dbSNP rs962135951, ClinGen allele CA16608292.